The following is an entry in ClinVar:

NM_000553.6(WRN):c.3030_3033del (p.Thr1011fs)

Gene: WRN (WRN RecQ like helicase; plus strand). Cytogenetic location: 8p12.
Variant type: Deletion.
Coding change: c.3030_3033del on transcript NM_000553.6 (MANE Select); coding-DNA positions 3030 to 3033, 4 bases deleted (AACA; older notation c.3030_3033delAACA).
Protein change: p.Thr1011fs; shifts the reading frame from threonine 1011.
Molecular consequence: frameshift variant.
Genome position (GRCh38, 1-based): chr8:31,141,492-31,141,495, AACA deleted; deleting any 4 consecutive bases within chr8:31,141,490-31,141,495 gives the same sequence; the c. name uses the placement nearest the transcript's 3' end. VCF-style (leftmost placement, unchanged base first): chr8-31141489-TCAAA-T. GRCh37 (hg19) VCF-style: chr8-30999005-TCAAA-T.
Other names: c.3030_3033del (NM_000553.4); short protein forms T1011fs.
Identifiers: ClinVar variation 575023 (VCV000575023.13), dbSNP rs748860208, ClinGen allele CA4704921.
Genomic context (GRCh38, chr8:31,141,489, plus strand): 5'-GAATTCTCAGCGTCTTGCCGATCAATATCGCAGGCACAGTTTATTTGGCACTGGCAAGGA[TCAAA>T]CAGAGAGTTGGTGGAAGGCTTTTTCCCGTCAGCTGATCACTGAGGGATTCTTGGTAGAAG-3'

ClinVar aggregate classification (germline): Pathogenic. Review status: criteria provided, multiple submitters, no conflicts (2 of 4 stars). 3 submissions from 3 submitters: Pathogenic (3). Last evaluated 2025-06-30.

Conditions:
Werner syndrome (WRN). Identifiers: Orphanet 902, MedGen C0043119, MONDO:0010196, OMIM 277700.

Submissions (3):

Labcorp Genetics (formerly Invitae), Labcorp
Classification: Pathogenic for Werner syndrome. Last evaluated: 2025-06-30. Review status: criteria provided, single submitter. Criteria: Invitae Variant Classification Sherloc (09022015). Collection method: clinical testing. Allele origin: germline.
Comment: This sequence change creates a premature translational stop signal (p.Thr1011Argfs*11) in the WRN gene. It is expected to result in an absent or disrupted protein product. Loss-of-function variants in WRN are known to be pathogenic (PMID: 16673358). This variant is present in population databases (rs748860208, gnomAD 0.004%). This premature translational stop signal has been observed in individual(s) with Werner syndrome (PMID: 10811130). This variant is also known as c.3259-3262delCAAA. ClinVar contains an entry for this variant (Variation ID: 575023). For these reasons, this variant has been classified as Pathogenic.

Baylor Genetics
Classification: Pathogenic for Werner syndrome. Last evaluated: 2023-11-29. Review status: criteria provided, single submitter. Criteria: ACMG Guidelines, 2015. Collection method: clinical testing. Allele origin: unknown.

Institute of Human Genetics, University of Leipzig Medical Center
Classification: Pathogenic for Werner syndrome. Last evaluated: 2021-07-07. Review status: criteria provided, single submitter. Criteria: ACMG Guidelines, 2015. Collection method: clinical testing. Allele origin: paternal. Inheritance: Autosomal recessive inheritance. Affected: yes.
Comment: Criteria applied: PVS1,PM3,PM2_SUP

Literature cited by the submitters: PubMed 16673358 (cited by Labcorp Genetics (formerly Invitae), Labcorp); PubMed 10811130 (cited by Labcorp Genetics (formerly Invitae), Labcorp).